The following is an entry in ClinVar:

NM_007294.4(BRCA1):c.4580A>C (p.Glu1527Ala)

Gene: BRCA1 (BRCA1 DNA repair associated; minus strand). Cytogenetic location: 17q21.31.
Variant type: single nucleotide variant.
Coding change: c.4580A>C on transcript NM_007294.4 (MANE Select); coding-DNA position 4580, A replaced by C.
Protein change: p.Glu1527Ala; replaces glutamic acid 1527 with alanine.
Molecular consequence: missense variant. On other transcripts: intron variant (3).
Genome position (GRCh38, 1-based): chr17:43,074,426, T>G on the plus strand (A>C on the coding strand, the complement: BRCA1 is on the minus strand). VCF-style: chr17-43074426-T-G. GRCh37 (hg19) VCF-style: chr17-41226443-T-G.
Other names: c.1271A>C, p.Glu424Ala (NM_001407978.1, NM_001407973.1, NM_001407974.1 and 3 more transcripts); c.1268A>C, p.Glu423Ala (NM_001407979.1, NM_001407980.1, NM_001407981.1 and 13 more transcripts); c.1265A>C, p.Glu422Ala (NM_001408392.1, NM_001408396.1, NM_001408397.1 and 8 more transcripts); c.4643A>C, p.Glu1548Ala (NM_001407587.1, NM_001407583.1, NM_001407585.1 and 1 more transcripts); c.4640A>C, p.Glu1547Ala (NM_001407590.1, NM_001407591.1); c.4580A>C, p.Glu1527Ala (NM_001407593.1, NM_001407597.1, NM_001407598.1 and 8 more transcripts); c.4367A>C, p.Glu1456Ala (NM_001407571.1, NM_001407894.1, NM_001407895.1 and 12 more transcripts); c.4646A>C, p.Glu1549Ala (NM_001407581.1, NM_001407582.1); and 71 more; short protein forms E1358A, E1398A, E1415A, E1437A, E1455A, E1460A, E1484A, E1485A.
Identifiers: ClinVar variation 3008299 (VCV003008299.3), dbSNP rs1473461169, ClinGen allele CA10592354.

ClinVar aggregate classification (germline): Uncertain significance (1 of 4 stars; one submission).

Conditions:
Hereditary breast ovarian cancer syndrome. Also called: BRCA1- and BRCA2-Associated Hereditary Breast and Ovarian Cancer; Hereditary breast and ovarian cancer syndrome (HBOC); Hereditary breast and/or ovarian cancer syndrome; Hereditary breast and ovarian cancer syndrome; Breast and ovarian cancer; Hereditary breast and ovarian cancer. Identifiers: Orphanet 145, MedGen C0677776, MeSH D061325, MONDO:0003582. Disease mechanism: loss of function.

Allele frequency attached by ClinVar (database versions not stated): gnomAD exomes below 0.00001.
gnomAD v4.1: 4 of 1,614,182 alleles (0.00025%); highest among the groups gnomAD compares: Non-Finnish European, 0.00034%; no homozygotes.

Submission:

Labcorp Genetics (formerly Invitae), Labcorp
Classification: Uncertain significance for Hereditary breast ovarian cancer syndrome. Last evaluated: 2023-02-28. Review status: criteria provided, single submitter. Criteria: Invitae Variant Classification Sherloc (09022015). Collection method: clinical testing. Allele origin: germline.
Comment: In summary, the available evidence is currently insufficient to determine the role of this variant in disease. Therefore, it has been classified as a Variant of Uncertain Significance. Advanced modeling of protein sequence and biophysical properties (such as structural, functional, and spatial information, amino acid conservation, physicochemical variation, residue mobility, and thermodynamic stability) performed at Invitae indicates that this missense variant is not expected to disrupt BRCA1 protein function. This variant has not been reported in the literature in individuals affected with BRCA1-related conditions. This variant is not present in population databases (gnomAD no frequency). This sequence change replaces glutamic acid, which is acidic and polar, with alanine, which is neutral and non-polar, at codon 1527 of the BRCA1 protein (p.Glu1527Ala).